The following is an entry in ClinVar:

NM_001101.5(ACTB):c.411G>A (p.Gln137=)

Gene: ACTB (actin beta; minus strand). Cytogenetic location: 7p22.1.
Variant type: single nucleotide variant.
Coding change: c.411G>A on transcript NM_001101.5 (MANE Select); coding-DNA position 411, G replaced by A.
Protein change: p.Gln137=; no amino-acid change (glutamine 137 retained).
Molecular consequence: synonymous variant.
Genome position (GRCh38, 1-based): chr7:5,528,672, C>T on the plus strand (G>A on the coding strand, the complement: ACTB is on the minus strand). VCF-style: chr7-5528672-C-T. GRCh37 (hg19) VCF-style: chr7-5568303-C-T.
Identifiers: ClinVar variation 3370082 (VCV003370082.1).

ClinVar aggregate classification (germline): Uncertain significance (1 of 4 stars; one submission).

Submission:

GeneDx
Classification: Uncertain significance. Last evaluated: 2024-04-22. Review status: criteria provided, single submitter. Criteria: GeneDx Variant Classification Process June 2021. Collection method: clinical testing. Allele origin: germline. Affected: yes.
Comment: Not observed at significant frequency in large population cohorts (gnomAD); In silico analysis indicates that this variant does not alter splicing; Has not been previously published as pathogenic or benign to our knowledge